The following is an entry in ClinVar:

NM_001366385.1(CARD14):c.391G>A (p.Ala131Thr)

Gene: CARD14 (caspase recruitment domain family member 14; plus strand). Cytogenetic location: 17q25.3.
Variant type: single nucleotide variant.
Coding change: c.391G>A on transcript NM_001366385.1 (MANE Select); coding-DNA position 391, G replaced by A.
Protein change: p.Ala131Thr; replaces alanine 131 with threonine.
Molecular consequence: missense variant. On other transcripts: non-coding transcript variant (1).
Genome position (GRCh38, 1-based): chr17:80,183,954, G>A. VCF-style: chr17-80183954-G-A. GRCh37 (hg19) VCF-style: chr17-78157753-G-A.
Other names: c.391G>A, p.Ala131Thr (NM_001257970.1, NM_024110.4); short protein forms A131T.
Identifiers: ClinVar variation 3757960 (VCV003757960.2).

ClinVar aggregate classification (germline): Uncertain significance (1 of 4 stars; one submission).

Conditions:
Pityriasis rubra pilaris (PRP). Also called: Pityriasis rubra pilaris--familial type. Identifiers: Orphanet 2897, MedGen C0032027, MONDO:0100017, OMIM 173200, MONDO:0008251.
Psoriasis 2. Identifiers: MedGen C1864497, MONDO:0011269, OMIM 602723.

Submission:

Labcorp Genetics (formerly Invitae), Labcorp
Classification: Uncertain significance for Pityriasis rubra pilaris; Psoriasis 2. Last evaluated: 2024-09-03. Review status: criteria provided, single submitter. Criteria: Invitae Variant Classification Sherloc (09022015). Collection method: clinical testing. Allele origin: germline.
Comment: This sequence change replaces alanine, which is neutral and non-polar, with threonine, which is neutral and polar, at codon 131 of the CARD14 protein (p.Ala131Thr). This variant is not present in population databases (gnomAD no frequency). This variant has not been reported in the literature in individuals affected with CARD14-related conditions. Invitae Evidence Modeling of protein sequence and biophysical properties (such as structural, functional, and spatial information, amino acid conservation, physicochemical variation, residue mobility, and thermodynamic stability) indicates that this missense variant is expected to disrupt CARD14 protein function with a positive predictive value of 80%. In summary, the available evidence is currently insufficient to determine the role of this variant in disease. Therefore, it has been classified as a Variant of Uncertain Significance.